The following is an entry in ClinVar:

NM_016169.4(SUFU):c.221A>G (p.Tyr74Cys)

Gene: SUFU (SUFU negative regulator of hedgehog signaling; plus strand). Cytogenetic location: 10q24.32.
Variant type: single nucleotide variant.
Coding change: c.221A>G on transcript NM_016169.4 (MANE Select); coding-DNA position 221, A replaced by G.
Protein change: p.Tyr74Cys; replaces tyrosine 74 with cysteine.
Molecular consequence: missense variant.
Genome position (GRCh38, 1-based): chr10:102,509,207, A>G. VCF-style: chr10-102509207-A-G. GRCh37 (hg19) VCF-style: chr10-104268964-A-G.
Other names: c.221A>G, p.Tyr74Cys (NM_001178133.2); short protein forms Y74C.
Identifiers: ClinVar variation 3226876 (VCV003226876.1), dbSNP rs2544845603, ClinGen allele CA377888478.

ClinVar aggregate classification (germline): Uncertain significance (1 of 4 stars; one submission).

Conditions:
Hereditary cancer-predisposing syndrome. Also called: Neoplastic Syndromes, Hereditary; Tumor predisposition; Hereditary neoplastic syndrome; Hereditary Cancer Syndrome. Identifiers: Orphanet 140162, MedGen C0027672, MeSH D009386, MONDO:0015356.

Submission:

Ambry Genetics
Classification: Uncertain significance for Hereditary cancer-predisposing syndrome. Last evaluated: 2023-10-13. Review status: criteria provided, single submitter. Criteria: Ambry Variant Classification Scheme 2023. Collection method: clinical testing. Allele origin: germline.
Comment: The p.Y74C variant (also known as c.221A>G), located in coding exon 2 of the SUFU gene, results from an A to G substitution at nucleotide position 221. The tyrosine at codon 74 is replaced by cysteine, an amino acid with highly dissimilar properties. This amino acid position is conserved. In addition, this alteration is predicted to be deleterious by in silico analysis. Since supporting evidence is limited at this time, the clinical significance of this alteration remains unclear.